The following is an entry in ClinVar:

ClinVar aggregate classification (germline): Uncertain significance. Review status: criteria provided, multiple submitters, no conflicts (2 of 4 stars). 4 submissions from 4 submitters: Uncertain significance (4). Last evaluated 2026-07-07.

Conditions:
ALPK3-related disorder. Also called: ALPK3-related condition.
Cardiovascular phenotype. Identifiers: MedGen CN230736.

Allele frequency attached by ClinVar (database versions not stated): gnomAD 0.00001; ExAC 0.00002; gnomAD exomes 0.00002; TOPMed 0.00002; ESP Exome Variant Server 0.00008.

Submissions (4):

PreventionGenetics, part of Exact Sciences
Classification: Uncertain significance for ALPK3-related condition. Last evaluated: 2026-07-07. Review status: criteria provided, single submitter. Criteria: ACMG Guidelines, 2015. Collection method: clinical testing. Allele origin: germline.
Comment: The ALPK3 c.5035A>G variant is predicted to result in the amino acid substitution p.Met1679Val. To our knowledge, this variant has not been reported in the literature. This variant is reported in 0.0062% of alleles in individuals of African descent in gnomAD. At this time, the clinical significance of this variant is uncertain due to the absence of conclusive functional and genetic evidence.

Labcorp Genetics (formerly Invitae), Labcorp
Classification: Uncertain significance. Last evaluated: 2026-02-01. Review status: criteria provided, single submitter. Criteria: Invitae Variant Classification Sherloc (09022015). Collection method: clinical testing. Allele origin: germline.
Comment: This sequence change replaces methionine, which is neutral and non-polar, with valine, which is neutral and non-polar, at codon 1679 of the ALPK3 protein (p.Met1679Val). This variant is present in population databases (rs373576199, gnomAD 0.007%). This variant has not been reported in the literature in individuals affected with ALPK3-related conditions. ClinVar contains an entry for this variant (Variation ID: 1471311). Invitae Evidence Modeling of protein sequence and biophysical properties (such as structural, functional, and spatial information, amino acid conservation, physicochemical variation, residue mobility, and thermodynamic stability) indicates that this missense variant is expected to disrupt ALPK3 protein function with a positive predictive value of 80%. In summary, the available evidence is currently insufficient to determine the role of this variant in disease. Therefore, it has been classified as a Variant of Uncertain Significance.

GeneDx
Classification: Uncertain significance. Last evaluated: 2024-11-01. Review status: criteria provided, single submitter. Criteria: GeneDx Variant Classification Process June 2021. Collection method: clinical testing. Allele origin: germline. Affected: yes.
Comment: Not observed at significant frequency in large population cohorts (gnomAD); In silico analysis supports that this missense variant does not alter protein structure/function; Has not been previously published as pathogenic or benign to our knowledge

Ambry Genetics
Classification: Uncertain significance for Cardiovascular phenotype. Last evaluated: 2022-06-02. Review status: criteria provided, single submitter. Criteria: Ambry Variant Classification Scheme 2023. Collection method: clinical testing. Allele origin: germline.
Comment: The p.M1679V variant (also known as c.5035A>G), located in coding exon 11 of the ALPK3 gene, results from an A to G substitution at nucleotide position 5035. The methionine at codon 1679 is replaced by valine, an amino acid with highly similar properties. This amino acid position is not well conserved in available vertebrate species. In addition, this alteration is predicted to be tolerated by in silico analysis. Since supporting evidence is limited at this time, the clinical significance of this alteration remains unclear.

NM_020778.5(ALPK3):c.4429A>G (p.Met1477Val)

Gene: ALPK3 (alpha kinase 3; plus strand). Cytogenetic location: 15q25.3.
Variant type: single nucleotide variant.
Coding change: c.4429A>G on transcript NM_020778.5 (MANE Select); coding-DNA position 4429, A replaced by G.
Protein change: p.Met1477Val; replaces methionine 1477 with valine.
Molecular consequence: missense variant.
Genome position (GRCh38, 1-based): chr15:84,863,570, A>G. VCF-style: chr15-84863570-A-G. GRCh37 (hg19) VCF-style: chr15-85406801-A-G.
Other names: short protein forms M1477V.
Identifiers: ClinVar variation 1471311 (VCV001471311.10), dbSNP rs373576199, ClinGen allele CA7709967.